The following is an entry in ClinVar:

ClinVar aggregate classification (germline): Uncertain significance (1 of 4 stars; one submission).

Conditions:
Peutz-Jeghers syndrome (PJS). Also called: POLYPOSIS, HAMARTOMATOUS INTESTINAL; POLYPS-AND-SPOTS SYNDROME; Peutz-Jeghers polyposis; Periorificial lentiginosis syndrome. Identifiers: Orphanet 2869, MedGen C0031269, MeSH D010580, MONDO:0008280, OMIM 175200.

Submission:

Labcorp Genetics (formerly Invitae), Labcorp
Classification: Uncertain significance for Peutz-Jeghers syndrome. Last evaluated: 2025-09-12. Review status: criteria provided, single submitter. Criteria: Invitae Variant Classification Sherloc (09022015). Collection method: clinical testing. Allele origin: germline.
Comment: This sequence change replaces alanine, which is neutral and non-polar, with proline, which is neutral and non-polar, at codon 153 of the STK11 protein (p.Ala153Pro). This variant is not present in population databases (gnomAD no frequency). This variant has not been reported in the literature in individuals affected with STK11-related conditions. Invitae Evidence Modeling of protein sequence and biophysical properties (such as structural, functional, and spatial information, amino acid conservation, physicochemical variation, residue mobility, and thermodynamic stability) has been performed for this missense variant. However, the output from this modeling did not meet the statistical confidence thresholds required to predict the impact of this variant on STK11 protein function. This variant disrupts the p.Ala153 amino acid residue in STK11. Other variant(s) that disrupt this residue have been determined to be pathogenic (PMID: 31852928). This suggests that this residue is clinically significant, and that variants that disrupt this residue are likely to be disease-causing. In summary, the available evidence is currently insufficient to determine the role of this variant in disease. Therefore, it has been classified as a Variant of Uncertain Significance.

Literature cited by the submitters: PubMed 31852928.

NM_000455.5(STK11):c.457G>C (p.Ala153Pro)

Gene: STK11 (serine/threonine kinase 11; plus strand). Cytogenetic location: 19p13.3.
Variant type: single nucleotide variant.
Coding change: c.457G>C on transcript NM_000455.5 (MANE Select); coding-DNA position 457, G replaced by C.
Protein change: p.Ala153Pro; replaces alanine 153 with proline.
Molecular consequence: missense variant. On other transcripts: non-coding transcript variant (1).
Genome position (GRCh38, 1-based): chr19:1,219,406, G>C. VCF-style: chr19-1219406-G-C. GRCh37 (hg19) VCF-style: chr19-1219405-G-C.
Other names: c.457G>C, p.Ala153Pro (NM_001407255.1); short protein forms A153P.
Identifiers: ClinVar variation 4747130 (VCV004747130.1).